The following is an entry in ClinVar:

NM_015335.5(MED13L):c.6592G>T (p.Val2198Leu)

Gene: MED13L (mediator complex subunit 13L; minus strand). Cytogenetic location: 12q24.21.
Variant type: single nucleotide variant.
Coding change: c.6592G>T on transcript NM_015335.5 (MANE Select); coding-DNA position 6592, G replaced by T.
Protein change: p.Val2198Leu; replaces valine 2198 with leucine.
Molecular consequence: missense variant.
Genome position (GRCh38, 1-based): chr12:115,961,307, C>A on the plus strand (G>T on the coding strand, the complement: MED13L is on the minus strand). VCF-style: chr12-115961307-C-A. GRCh37 (hg19) VCF-style: chr12-116399112-C-A.
Other names: short protein forms V2198L.
Identifiers: ClinVar variation 4741405 (VCV004741405.1).

ClinVar aggregate classification (germline): Uncertain significance (1 of 4 stars; one submission).

Conditions:
Dextro-looped transposition of the great arteries. Also called: Dextrotransposition of the great arteries. Identifiers: Orphanet 860, MedGen C3531771, MONDO:0019443, OMIM 608808, HP:0031348.

Submission:

Labcorp Genetics (formerly Invitae), Labcorp
Classification: Uncertain significance for Dextro-looped transposition of the great arteries. Last evaluated: 2025-06-29. Review status: criteria provided, single submitter. Criteria: Invitae Variant Classification Sherloc (09022015). Collection method: clinical testing. Allele origin: germline.
Comment: This sequence change replaces valine, which is neutral and non-polar, with leucine, which is neutral and non-polar, at codon 2198 of the MED13L protein (p.Val2198Leu). This variant is not present in population databases (gnomAD no frequency). This variant has not been reported in the literature in individuals affected with MED13L-related conditions. Invitae Evidence Modeling of protein sequence and biophysical properties (such as structural, functional, and spatial information, amino acid conservation, physicochemical variation, residue mobility, and thermodynamic stability) has been performed for this missense variant. However, the output from this modeling did not meet the statistical confidence thresholds required to predict the impact of this variant on MED13L protein function. In summary, the available evidence is currently insufficient to determine the role of this variant in disease. Therefore, it has been classified as a Variant of Uncertain Significance.